The following is an entry in ClinVar:

NM_000179.3(MSH6):c.2836G>A (p.Glu946Lys)

Gene: MSH6 (mutS homolog 6; plus strand). Cytogenetic location: 2p16.3.
Variant type: single nucleotide variant.
Coding change: c.2836G>A on transcript NM_000179.3 (MANE Select); coding-DNA position 2836, G replaced by A.
Protein change: p.Glu946Lys; replaces glutamic acid 946 with lysine.
Molecular consequence: missense variant. On other transcripts: non-coding transcript variant (5), intron variant (2).
Genome position (GRCh38, 1-based): chr2:47,800,819, G>A. VCF-style: chr2-47800819-G-A. GRCh37 (hg19) VCF-style: chr2-48027958-G-A.
Other names: c.2446G>A, p.Glu816Lys (NM_001281492.2); c.1930G>A, p.Glu644Lys (NM_001281493.2, NM_001281494.2, NM_001406811.1 and 6 more transcripts); c.2932G>A, p.Glu978Lys (NM_001406795.1, NM_001406802.1); c.2836G>A, p.Glu946Lys (NM_001406796.1, NM_001406798.1, NM_001406800.1 and 2 more transcripts); c.2539G>A, p.Glu847Lys (NM_001406797.1, NM_001406801.1, NM_001406805.1 and 10 more transcripts); c.2311G>A, p.Glu771Lys (NM_001406799.1, NM_001406806.1, NM_001406807.1); c.2758G>A, p.Glu920Lys (NM_001406804.1); c.2842G>A, p.Glu948Lys (NM_001406813.1); and 4 more; short protein forms E261K, E644K, E771K, E816K, E847K, E890K, E920K, E946K.
Identifiers: ClinVar variation 4800217 (VCV004800217.1).
Genomic context (GRCh38, chr2:47,800,819, plus strand): 5'-CTTATTACTCCCAAAGCAGGCTTTGACTCTGATTATGACCAAGCTCTTGCTGACATAAGA[G>A]AAAATGAACAGAGCCTCCTGGAATACCTAGAGAAACAGCGCAACAGAATTGGCTGTAGGA-3'
Protein context (NP_000170.1, residues 936-956): DYDQALADIR[Glu946Lys]NEQSLLEYLE

ClinVar aggregate classification (germline): Uncertain significance (1 of 4 stars; one submission).

Conditions:
Hereditary nonpolyposis colorectal neoplasms. Identifiers: MedGen C0009405, MeSH D003123.

Submission:

Labcorp Genetics (formerly Invitae), Labcorp
Classification: Uncertain significance for Hereditary nonpolyposis colorectal neoplasms. Last evaluated: 2025-06-03. Review status: criteria provided, single submitter. Criteria: Invitae Variant Classification Sherloc (09022015). Collection method: clinical testing. Allele origin: germline.
Comment: This sequence change replaces glutamic acid, which is acidic and polar, with lysine, which is basic and polar, at codon 946 of the MSH6 protein (p.Glu946Lys). This variant is not present in population databases (gnomAD no frequency). This variant has not been reported in the literature in individuals affected with MSH6-related conditions. Invitae Evidence Modeling of protein sequence and biophysical properties (such as structural, functional, and spatial information, amino acid conservation, physicochemical variation, residue mobility, and thermodynamic stability) indicates that this missense variant is not expected to disrupt MSH6 protein function with a negative predictive value of 95%. In summary, the available evidence is currently insufficient to determine the role of this variant in disease. Therefore, it has been classified as a Variant of Uncertain Significance.